The following is an entry in ClinVar:

NM_203447.4(DOCK8):c.5455A>G (p.Ile1819Val)

Gene: DOCK8 (dedicator of cytokinesis 8; plus strand). Cytogenetic location: 9p24.3.
Variant type: single nucleotide variant.
Coding change: c.5455A>G on transcript NM_203447.4 (MANE Select); coding-DNA position 5455, A replaced by G.
Protein change: p.Ile1819Val; replaces isoleucine 1819 with valine.
Molecular consequence: missense variant.
Genome position (GRCh38, 1-based): chr9:441,974, A>G. VCF-style: chr9-441974-A-G. GRCh37 (hg19) VCF-style: chr9-441974-A-G.
Other names: c.5155A>G, p.Ile1719Val (NM_001190458.2); c.5251A>G, p.Ile1751Val (NM_001193536.2); short protein forms I1751V, I1819V, I1719V.
Identifiers: ClinVar variation 946565 (VCV000946565.10), dbSNP rs2057108259, ClinGen allele CA372768463.

ClinVar aggregate classification (germline): Uncertain significance (1 of 4 stars; one submission).

Conditions:
Combined immunodeficiency due to DOCK8 deficiency (HIES2). Also called: DOCK8 Deficiency; HIES autosomal recessive; HYPER-IgE RECURRENT INFECTION SYNDROME 2, AUTOSOMAL RECESSIVE; HYPER-IgE SYNDROME 2, AUTOSOMAL RECESSIVE, WITH RECURRENT INFECTIONS; Hyper-IgE recurrent infection syndrome, autosomal recessive. Identifiers: Orphanet 217390, MedGen C4722305, MONDO:0009478, OMIM 243700.

Allele frequency attached by ClinVar (database versions not stated): gnomAD exomes below 0.00001.
gnomAD v4.1: 3 of 1,614,124 alleles (0.00019%); highest among the groups gnomAD compares: South Asian, 0.0022%; no homozygotes.

Submission:

Labcorp Genetics (formerly Invitae), Labcorp
Classification: Uncertain significance for Combined immunodeficiency due to DOCK8 deficiency. Last evaluated: 2022-05-08. Review status: criteria provided, single submitter. Criteria: Invitae Variant Classification Sherloc (09022015). Collection method: clinical testing. Allele origin: germline.
Comment: This variant is not present in population databases (gnomAD no frequency). In summary, the available evidence is currently insufficient to determine the role of this variant in disease. Therefore, it has been classified as a Variant of Uncertain Significance. Algorithms developed to predict the effect of missense changes on protein structure and function are either unavailable or do not agree on the potential impact of this missense change (SIFT: "Tolerated"; PolyPhen-2: "Probably Damaging"; Align-GVGD: "Class C0"). ClinVar contains an entry for this variant (Variation ID: 946565). This variant has not been reported in the literature in individuals affected with DOCK8-related conditions. This sequence change replaces isoleucine, which is neutral and non-polar, with valine, which is neutral and non-polar, at codon 1819 of the DOCK8 protein (p.Ile1819Val).